The following is an entry in ClinVar:

NM_004204.5(PIGQ):c.529C>T (p.Arg177Cys)

Gene: PIGQ (phosphatidylinositol glycan anchor biosynthesis class Q; plus strand). Cytogenetic location: 16p13.3.
Variant type: single nucleotide variant.
Coding change: c.529C>T on transcript NM_004204.5 (MANE Select); coding-DNA position 529, C replaced by T.
Protein change: p.Arg177Cys; replaces arginine 177 with cysteine.
Molecular consequence: missense variant.
Genome position (GRCh38, 1-based): chr16:574,603, C>T. VCF-style: chr16-574603-C-T. GRCh37 (hg19) VCF-style: chr16-624603-C-T.
Other names: c.529C>T, p.Arg177Cys (NM_148920.4); short protein forms R177C.
Identifiers: ClinVar variation 661490 (VCV000661490.8), dbSNP rs764707741, ClinGen allele CA7779897.

ClinVar aggregate classification (germline): Uncertain significance (1 of 4 stars; one submission).

Conditions:
Epilepsy. Also called: Seizure disorder. Identifiers: MedGen C0014544, MeSH D004827, MONDO:0005027.

Allele frequency attached by ClinVar (database versions not stated): gnomAD exomes 0.00002; ExAC 0.00005.

Submission:

Labcorp Genetics (formerly Invitae), Labcorp
Classification: Uncertain significance for Epilepsy. Last evaluated: 2021-08-20. Review status: criteria provided, single submitter. Criteria: Invitae Variant Classification Sherloc (09022015). Collection method: clinical testing. Allele origin: germline.
Comment: This sequence change replaces arginine with cysteine at codon 177 of the PIGQ protein (p.Arg177Cys). The arginine residue is moderately conserved and there is a large physicochemical difference between arginine and cysteine. This variant is present in population databases (rs764707741, ExAC 0.01%). This variant has not been reported in the literature in individuals affected with PIGQ-related conditions. Algorithms developed to predict the effect of missense changes on protein structure and function output the following: SIFT: "Tolerated"; PolyPhen-2: "Benign"; Align-GVGD: "Class C0". The cysteine amino acid residue is found in multiple mammalian species, which suggests that this missense change does not adversely affect protein function. In summary, the available evidence is currently insufficient to determine the role of this variant in disease. Therefore, it has been classified as a Variant of Uncertain Significance.